The following is an entry in ClinVar:

ClinVar aggregate classification (germline): Uncertain significance (1 of 4 stars; one submission).

Conditions:
Hyperaldosteronism, familial, type IV (HALD4). Also called: FH IV; ALDOSTERONISM, PRIMARY, AND HYPERTENSION. Identifiers: Orphanet 642671, MedGen C4310756, MONDO:0014875, OMIM 617027.
Idiopathic generalized epilepsy. Also called: Generalised epilepsy; EIG. Identifiers: MedGen C0270850, MONDO:0005579, OMIM 600669.

gnomAD v4.1: 11 of 1,521,212 alleles (0.00072%); highest among the groups gnomAD compares: East Asian, 0.0045%; no homozygotes.

Submission:

Labcorp Genetics (formerly Invitae), Labcorp
Classification: Uncertain significance for Idiopathic generalized epilepsy; Hyperaldosteronism, familial, type IV. Last evaluated: 2023-11-06. Review status: criteria provided, single submitter. Criteria: Invitae Variant Classification Sherloc (09022015). Collection method: clinical testing. Allele origin: germline.
Comment: This sequence change falls in intron 10 of the CACNA1H gene. It does not directly change the encoded amino acid sequence of the CACNA1H protein. It affects a nucleotide within the consensus splice site. This variant is present in population databases (rs557080821, gnomAD 0.01%). This variant has not been reported in the literature in individuals affected with CACNA1H-related conditions. ClinVar contains an entry for this variant (Variation ID: 2072108). Variants that disrupt the consensus splice site are a relatively common cause of aberrant splicing (PMID: 17576681, 9536098). Algorithms developed to predict the effect of sequence changes on RNA splicing suggest that this variant is not likely to affect RNA splicing. In summary, the available evidence is currently insufficient to determine the role of this variant in disease. Therefore, it has been classified as a Variant of Uncertain Significance.

Literature cited by the submitters: PubMed 17576681; PubMed 9536098.

NM_021098.3(CACNA1H):c.2451+5G>A

Gene: CACNA1H (calcium voltage-gated channel subunit alpha1 H; plus strand). Cytogenetic location: 16p13.3.
Variant type: single nucleotide variant.
Coding change: c.2451+5G>A on transcript NM_021098.3 (MANE Select); 5 bases into the intron after coding-DNA position 2451, G replaced by A.
Molecular consequence: intron variant.
Genome position (GRCh38, 1-based): chr16:1,204,463, G>A. VCF-style: chr16-1204463-G-A. GRCh37 (hg19) VCF-style: chr16-1254463-G-A.
Other names: c.2451+5G>A (NM_001005407.2).
Identifiers: ClinVar variation 2072108 (VCV002072108.3), dbSNP rs557080821, ClinGen allele CA7800249.
Genomic context (GRCh38, chr16:1,204,463, plus strand): 5'-TCATGATGGCCATCCTTGTCAACACGCTGAGCATGGGCGTGGAGTACCATGAGCAGGTGC[G>A]GGCTGGCCTGGCCACGGGGTGGGCTCCCTGTCAGGCTTGCAGGGCCTGGGGAGTCTCAGG-3'